The following is an entry in ClinVar:

ClinVar aggregate classification (germline): Uncertain significance. Review status: criteria provided, multiple submitters, no conflicts (2 of 4 stars). 2 submissions from 2 submitters: Uncertain significance (2). Last evaluated 2024-11-10.

Conditions:
Neuropathy, hereditary sensory and autonomic, type 2A (HSAN2A). Also called: MORVAN DISEASE; NEUROPATHY, CONGENITAL SENSORY; NEUROPATHY, HEREDITARY SENSORY RADICULAR, AUTOSOMAL RECESSIVE; NEUROPATHY, HEREDITARY SENSORY, TYPE IIA; NEUROPATHY, PROGRESSIVE SENSORY, OF CHILDREN; WNK1-Related HSAN2 (HSAN2A). Identifiers: Orphanet 970, MedGen C2752089, MONDO:0024309, OMIM 201300.
Pseudohypoaldosteronism type 2C (PHA2C). Also called: Pseudohypoaldosteronism Type IIC. Identifiers: Orphanet 757, Orphanet 88940, MedGen C1840391, MONDO:0013778, OMIM 614492.

Allele frequency attached by ClinVar (database versions not stated): gnomAD exomes below 0.00001 and 0.00001; TOPMed below 0.00001; ExAC 0.00001.
gnomAD v4.1: 11 of 1,614,042 alleles (0.00068%); highest among the groups gnomAD compares: Non-Finnish European, 0.00093%; no homozygotes.

Submissions (2):

Labcorp Genetics (formerly Invitae), Labcorp
Classification: Uncertain significance for Neuropathy, hereditary sensory and autonomic, type 2A; Pseudohypoaldosteronism type 2C. Last evaluated: 2024-11-10. Review status: criteria provided, single submitter. Criteria: Invitae Variant Classification Sherloc (09022015). Collection method: clinical testing. Allele origin: germline.
Comment: This sequence change replaces alanine, which is neutral and non-polar, with valine, which is neutral and non-polar, at codon 1266 of the WNK1 protein (p.Ala1266Val). This variant is present in population databases (rs757239881, gnomAD 0.0009%). This variant has not been reported in the literature in individuals affected with WNK1-related conditions. ClinVar contains an entry for this variant (Variation ID: 1052254). Invitae Evidence Modeling of protein sequence and biophysical properties (such as structural, functional, and spatial information, amino acid conservation, physicochemical variation, residue mobility, and thermodynamic stability) indicates that this missense variant is not expected to disrupt WNK1 protein function with a negative predictive value of 95%. In summary, the available evidence is currently insufficient to determine the role of this variant in disease. Therefore, it has been classified as a Variant of Uncertain Significance.

Fulgent Genetics
Classification: Uncertain significance for Neuropathy, hereditary sensory and autonomic, type 2A; Pseudohypoaldosteronism type 2C. Last evaluated: 2021-12-17. Review status: criteria provided, single submitter. Criteria: ACMG Guidelines, 2015. Collection method: clinical testing. Allele origin: unknown.

NM_018979.4(WNK1):c.2303C>T (p.Ala768Val)

Gene: WNK1 (WNK lysine deficient protein kinase 1; plus strand). Cytogenetic location: 12p13.33.
Variant type: single nucleotide variant.
Coding change: c.2303C>T on transcript NM_018979.4 (MANE Select); coding-DNA position 2303, C replaced by T.
Protein change: p.Ala768Val; replaces alanine 768 with valine.
Molecular consequence: missense variant.
Genome position (GRCh38, 1-based): chr12:878,291, C>T. VCF-style: chr12-878291-C-T. GRCh37 (hg19) VCF-style: chr12-987457-C-T.
Other names: c.3542C>T, p.Ala1181Val (NM_001184985.2); c.2300C>T, p.Ala767Val (NM_014823.3); c.3797C>T, p.Ala1266Val (NM_213655.5); short protein forms A1181V, A1266V, A767V, A768V.
Identifiers: ClinVar variation 1052254 (VCV001052254.10), dbSNP rs757239881, ClinGen allele CA6382437.
Genomic context (GRCh38, chr12:878,291, plus strand): 5'-CAGCCCCTCCTCAACAGACAGTGCAGTATTCACTTTCACAGACATCAACCTCCAGTGAGG[C>T]CACTACTGCACAGCCAGTGAGTCAGCCTCAAGCTCCACAAGTCTTGCCTCAAGTATCAGC-3'
Protein context (NP_061852.3, residues 758-778): SLSQTSTSSE[Ala768Val]TTAQPVSQPQ